The following is an entry in ClinVar:

ClinVar aggregate classification (germline): Benign. Review status: reviewed by expert panel (3 of 4 stars). 2 submissions from 2 submitters: Benign (1). 1 of the submissions does not count toward it. Last evaluated 2015-01-12.

Conditions:
Breast-ovarian cancer, familial, susceptibility to, 1 (BROVCA1). Also called: BRCA1 Hereditary Breast and Ovarian Cancer; OVARIAN CANCER, SUSCEPTIBILITY TO. Identifiers: Orphanet 145, MedGen C2676676, MONDO:0011450, OMIM 604370. Disease mechanism: loss of function.

Allele frequency attached by ClinVar (database versions not stated): 1000 Genomes Project 0.02157; 1000 Genomes Project 30x 0.02186; TOPMed 0.03901; gnomAD 0.04384 and 0.04515.
gnomAD v4.1: 6,607 of 150,878 alleles (4.4%); highest among the groups gnomAD compares: Non-Finnish European, 6.3%; 189 homozygotes.

Submissions (2):

Evidence-based Network for the Interpretation of Germline Mutant Alleles (ENIGMA)
Classification: Benign for Breast-ovarian cancer, familial 1. Last evaluated: 2015-01-12. Review status: reviewed by expert panel. Criteria: ENIGMA BRCA1/2 Classification Criteria (2015). Collection method: curation. Allele origin: germline.
Comment: Class 1 not pathogenic based on frequency >1% in an outbred sampleset. Frequency 0.05145 (European), derived from 1000 genomes (2012-04-30).

Breakthrough Genomics
Classification: Benign. Review status: criteria provided, single submitter. Criteria: ACMG Guidelines, 2015. Collection method: not provided. Allele origin: germline. Inheritance: Autosomal recessive inheritance. Affected: yes. Not counted in ClinVar's aggregate classification.

NM_007294.4(BRCA1):c.5277+1607G>T

Gene: BRCA1 (BRCA1 DNA repair associated; minus strand). Cytogenetic location: 17q21.31.
Variant type: single nucleotide variant.
Coding change: c.5277+1607G>T on transcript NM_007294.4 (MANE Select); 1607 bases into the intron after coding-DNA position 5277, G replaced by T.
Molecular consequence: intron variant.
Genome position (GRCh38, 1-based): chr17:43,055,445, C>A on the plus strand (G>T on the coding strand, the complement: BRCA1 is on the minus strand). VCF-style: chr17-43055445-C-A. GRCh37 (hg19) VCF-style: chr17-41207462-C-A.
Other names: IVS 20+1607G>T; c.5274+1607G>T (NM_001407859.1, NM_001407620.1, NM_001407623.1 and 17 more transcripts); c.5277+1607G>T (NM_001407597.1, NM_001407605.1, NM_001407684.1 and 7 more transcripts); c.5343+1607G>T (NM_001407582.1, NM_001407581.1); c.5061+1607G>T (NM_001407917.1, NM_001407918.1, NM_001407915.1 and 1 more transcripts); c.1824+1607G>T (NM_001408462.1, NM_001408458.1, NM_001408461.1 and 7 more transcripts); c.5064+1607G>T (NM_001407902.1, NM_001407897.1, NM_001407908.1 and 12 more transcripts); c.1887+1607G>T (NM_001408414.1, NM_001408415.1, NM_001408412.1 and 2 more transcripts); and 73 more.
Identifiers: ClinVar variation 209283 (VCV000209283.3), dbSNP rs62076408, ClinGen allele CA276255.